The following is an entry in ClinVar:

NM_000038.6(APC):c.1571G>C (p.Gly524Ala)

Gene: APC (APC regulator of Wnt signaling pathway; plus strand). Cytogenetic location: 5q22.2.
Variant type: single nucleotide variant.
Coding change: c.1571G>C on transcript NM_000038.6 (MANE Select); coding-DNA position 1571, G replaced by C.
Protein change: p.Gly524Ala; replaces glycine 524 with alanine.
Molecular consequence: missense variant.
Genome position (GRCh38, 1-based): chr5:112,827,951, G>C. VCF-style: chr5-112827951-G-C. GRCh37 (hg19) VCF-style: chr5-112163648-G-C.
Other names: c.1571G>C, p.Gly524Ala (NM_001127510.3, NM_001354895.2); c.1517G>C, p.Gly506Ala (NM_001127511.3); c.1625G>C, p.Gly542Ala (NM_001354896.2); c.1601G>C, p.Gly534Ala (NM_001354897.2); c.1496G>C, p.Gly499Ala (NM_001354898.2); c.1487G>C, p.Gly496Ala (NM_001354899.2); c.1448G>C, p.Gly483Ala (NM_001354900.2); c.1394G>C, p.Gly465Ala (NM_001354901.2); and 5 more; short protein forms G506A, G524A, G433A, G465A, G499A, G241A, G398A, G483A.
Identifiers: ClinVar variation 142983 (VCV000142983.19), dbSNP rs587782868, ClinGen allele CA005343.
Genomic context (GRCh38, chr5:112,827,951, plus strand): 5'-TCTTTTTAATGATCCTCTATTCTGTATTTAATTTACAGGCTACGCTATGCTCTATGAAAG[G>C]CTGCATGAGAGCACTTGTGGCCCAACTAAAATCTGAAAGTGAAGACTTACAGCAGGTACT-3'
Protein context (NP_000029.2, residues 514-534): ANKATLCSMK[Gly524Ala]CMRALVAQLK

ClinVar aggregate classification (germline): Uncertain significance. Review status: criteria provided, multiple submitters, no conflicts (2 of 4 stars). 4 submissions from 4 submitters: Uncertain significance (3). 1 of the submissions does not count toward it. Last evaluated 2025-09-14.

Conditions:
Hereditary cancer-predisposing syndrome. Also called: Hereditary Cancer Syndrome; Neoplastic Syndromes, Hereditary; Hereditary neoplastic syndrome; Tumor predisposition. Identifiers: Orphanet 140162, MedGen C0027672, MeSH D009386, MONDO:0015356.
Familial adenomatous polyposis 1 (FAP1). Also called: FAMILIAL ADENOMATOUS POLYPOSIS 1, ATTENUATED; POLYPOSIS, ADENOMATOUS INTESTINAL. Identifiers: MedGen C2713442, MONDO:0021056, OMIM 175100. Disease mechanism: loss of function.

gnomAD v4.1: 1 of 1,613,252 alleles (0.000062%); highest among the groups gnomAD compares: East Asian, 0.0022%; no homozygotes.

Submissions (4):

Labcorp Genetics (formerly Invitae), Labcorp
Classification: Uncertain significance for Familial adenomatous polyposis 1. Last evaluated: 2025-09-14. Review status: criteria provided, single submitter. Criteria: Invitae Variant Classification Sherloc (09022015). Collection method: clinical testing. Allele origin: germline.
Comment: This sequence change replaces glycine, which is neutral and non-polar, with alanine, which is neutral and non-polar, at codon 524 of the APC protein (p.Gly524Ala). This variant is not present in population databases (gnomAD no frequency). This variant has not been reported in the literature in individuals affected with APC-related conditions. ClinVar contains an entry for this variant (Variation ID: 142983). Invitae Evidence Modeling of protein sequence and biophysical properties (such as structural, functional, and spatial information, amino acid conservation, physicochemical variation, residue mobility, and thermodynamic stability) indicates that this missense variant is not expected to disrupt APC protein function with a negative predictive value of 95%. In summary, the available evidence is currently insufficient to determine the role of this variant in disease. Therefore, it has been classified as a Variant of Uncertain Significance.

Ambry Genetics
Classification: Uncertain significance for Hereditary cancer-predisposing syndrome. Last evaluated: 2025-01-17. Review status: criteria provided, single submitter. Criteria: Ambry Variant Classification Scheme 2023. Collection method: clinical testing. Allele origin: germline.
Comment: The p.G524A variant (also known as c.1571G>C), located in coding exon 12 of the APC gene, results from a G to C substitution at nucleotide position 1571. The glycine at codon 524 is replaced by alanine, an amino acid with similar properties. This amino acid position is highly conserved in available vertebrate species. Missense alterations in APC are not a common cause of disease (Spier I et al. Genet Med. 2024 Feb;26(2):100992). In addition, in silico predictors for this gene do not accurately predict pathogenicity. Since supporting evidence is limited at this time, the clinical significance of this alteration remains unclear.

Myriad Genetics, Inc.
Classification: Uncertain significance for Familial adenomatous polyposis 1. Last evaluated: 2023-02-17. Review status: criteria provided, single submitter. Criteria: Myriad Autosomal Dominant, Autosomal Recessive and X-Linked Classification Criteria (2023). Collection method: clinical testing. Allele origin: unknown.
Comment: This variant is classified as a variant of uncertain significance as there is insufficient evidence to determine its impact on protein function and/or cancer risk.

Counsyl
Classification: Uncertain significance for Familial adenomatous polyposis 1. Last evaluated: 2016-05-03. Review status: no assertion criteria provided. Collection method: clinical testing. Allele origin: unknown. Not counted in ClinVar's aggregate classification.